The following is an entry in ClinVar:

ClinVar aggregate classification (germline): Uncertain significance (1 of 4 stars; one submission).

Submission:

Labcorp Genetics (formerly Invitae), Labcorp
Classification: Uncertain significance. Last evaluated: 2025-08-11. Review status: criteria provided, single submitter. Criteria: Invitae Variant Classification Sherloc (09022015). Collection method: clinical testing. Allele origin: germline.
Comment: The COL18A1 gene has multiple clinically relevant transcripts. This variant occurs in alternate transcript NM_030582.3, and corresponds to NM_130445.3:c.107-12278T>C in the primary transcript. This sequence change replaces leucine, which is neutral and non-polar, with proline, which is neutral and non-polar, at codon 145 of the COL18A1 protein (p.Leu145Pro). This variant is not present in population databases (gnomAD no frequency). This variant has not been reported in the literature in individuals affected with COL18A1-related conditions. ClinVar contains an entry for this variant (Variation ID: 2091783). Experimental studies and prediction algorithms are not available or were not evaluated, and the functional significance of this variant is currently unknown. Algorithms developed to predict the effect of sequence changes on RNA splicing suggest that this variant is not likely to affect RNA splicing. In summary, the available evidence is currently insufficient to determine the role of this variant in disease. Therefore, it has been classified as a Variant of Uncertain Significance.

NM_001379500.1(COL18A1):c.107-12278T>C

Gene: COL18A1 (collagen type XVIII alpha 1 chain; plus strand). Cytogenetic location: 21q22.3.
Variant type: single nucleotide variant.
Coding change: c.107-12278T>C on transcript NM_001379500.1 (MANE Select); 12278 bases into the intron before coding-DNA position 107, T replaced by C.
Molecular consequence: intron variant. On other transcripts: missense variant (2).
Genome position (GRCh38, 1-based): chr21:45,455,964, T>C. VCF-style: chr21-45455964-T-C. GRCh37 (hg19) VCF-style: chr21-46875878-T-C.
Other names: c.434T>C, p.Leu145Pro (NM_030582.4, NM_130444.3); short protein forms L145P.
Identifiers: ClinVar variation 2091783 (VCV002091783.4), dbSNP rs2034789212, ClinGen allele CA410506082.
Genomic context (GRCh38, chr21:45,455,964, plus strand): 5'-TCCAGCTGTGGAATGACACTGTCCCCACTGAGAGCTTGGCCAGGGCGGAAACCCTGGTCC[T>C]GGAGACTCCTGTGGGCCCCCTTGCCCTCGCTGGGCCTTCCAGCACCCCCCAGGAGAATGG-3'